The following is an entry in ClinVar:

NM_001081.4(CUBN):c.6938A>T (p.Tyr2313Phe)

Gene: CUBN (cubilin; minus strand). Cytogenetic location: 10p13.
Variant type: single nucleotide variant.
Coding change: c.6938A>T on transcript NM_001081.4 (MANE Select); coding-DNA position 6938, A replaced by T.
Protein change: p.Tyr2313Phe; replaces tyrosine 2313 with phenylalanine.
Molecular consequence: missense variant.
Genome position (GRCh38, 1-based): chr10:16,918,684, T>A on the plus strand (A>T on the coding strand, the complement: CUBN is on the minus strand). VCF-style: chr10-16918684-T-A. GRCh37 (hg19) VCF-style: chr10-16960683-T-A.
Other names: p.Tyr2313Phe; short protein forms Y2313F.
Identifiers: ClinVar variation 299432 (VCV000299432.17), dbSNP rs140806389, ClinGen allele CA5423516.

ClinVar aggregate classification (germline): Benign. Review status: criteria provided, multiple submitters, no conflicts (2 of 4 stars). 4 submissions from 4 submitters: Benign (4). Last evaluated 2026-01-29.

Conditions:
Imerslund-Grasbeck syndrome. Also called: Megaloblastic anemia due to inborn errors of metabolism; Imerslund-Gräsbeck syndrome; ENTEROCYTE COBALAMIN MALABSORPTION; ENTEROCYTE INTRINSIC FACTOR RECEPTOR, DEFECT OF; PERNICIOUS ANEMIA, JUVENILE, DUE TO SELECTIVE INTESTINAL MALABSORPTION OF VITAMIN B12, WITH PROTEINURIA. Identifiers: Orphanet 35858, MedGen C4551825, MONDO:0009853.
Imerslund-Grasbeck syndrome type 1 (IGS1). Also called: Megaloblastic anemia 1, Finnish type; MEGALOBLASTIC ANEMIA, 1; Imerslund-Gräsbeck syndrome 1. Identifiers: MedGen C4016819, MONDO:0100156, OMIM 261100.

Allele frequency attached by ClinVar (database versions not stated): gnomAD 0.00190 and 0.00150; ESP Exome Variant Server 0.00008; TOPMed 0.00229; gnomAD exomes 0.00426 and 0.00101; ExAC 0.00423; 1000 Genomes Project 30x 0.00937; 1000 Genomes Project 0.00978.

Submissions (4):

Labcorp Genetics (formerly Invitae), Labcorp
Classification: Benign for Imerslund-Grasbeck syndrome. Last evaluated: 2026-01-29. Review status: criteria provided, single submitter. Criteria: Invitae Variant Classification Sherloc (09022015). Collection method: clinical testing. Allele origin: germline.

Mayo Clinic Laboratories, Mayo Clinic
Classification: Benign. Last evaluated: 2024-10-13. Review status: criteria provided, single submitter. Criteria: ACMG Guidelines, 2015. Collection method: clinical testing. Allele origin: germline. Observed: 1 variant allele.
Comment: BA1, BS2, BP4

GeneDx
Classification: Benign. Last evaluated: 2021-05-06. Review status: criteria provided, single submitter. Criteria: GeneDx Variant Classification Process June 2021. Collection method: clinical testing. Allele origin: germline. Affected: yes.

Illumina Laboratory Services, Illumina
Classification: Benign for Imerslund-Grasbeck syndrome type 1. Last evaluated: 2018-01-12. Review status: criteria provided, single submitter. Criteria: ICSL Variant Classification Criteria 13 December 2019. Collection method: clinical testing. Allele origin: germline.
Comment: This variant was observed in the ICSL laboratory as part of a predisposition screen in an ostensibly healthy population. It had not been previously curated by ICSL or reported in the Human Gene Mutation Database (HGMD: prior to June 1st, 2018), and was therefore a candidate for classification through an automated scoring system. Utilizing variant allele frequency, disease prevalence and penetrance estimates, and inheritance mode, an automated score was calculated to assess if this variant is too frequent to cause the disease. Based on the score and internal cut-off values, a variant classified as benign is not then subjected to further curation. The score for this variant resulted in a classification of benign for this disease.